The following is an entry in ClinVar:

ClinVar aggregate classification (germline): Likely pathogenic (1 of 4 stars; one submission).

Submission:

Mayo Clinic Laboratories, Mayo Clinic
Classification: Likely pathogenic. Last evaluated: 2022-11-18. Review status: criteria provided, single submitter. Criteria: ACMG Guidelines, 2015. Collection method: clinical testing. Allele origin: germline. Observed: 1 variant allele.
Comment: PM2, PVS1

NM_003126.4(SPTA1):c.3664C>T (p.Gln1222Ter)

Gene: SPTA1 (spectrin alpha, erythrocytic 1; minus strand). Cytogenetic location: 1q23.1.
Variant type: single nucleotide variant.
Coding change: c.3664C>T on transcript NM_003126.4 (MANE Select); coding-DNA position 3664, C replaced by T.
Protein change: p.Gln1222Ter; replaces glutamine 1222 with a stop codon.
Molecular consequence: nonsense.
Genome position (GRCh38, 1-based): chr1:158,648,559, G>A on the plus strand (C>T on the coding strand, the complement: SPTA1 is on the minus strand). VCF-style: chr1-158648559-G-A. GRCh37 (hg19) VCF-style: chr1-158618349-G-A.
Other names: p.Gln1222*; short protein forms Q1222*.
Identifiers: ClinVar variation 2683210 (VCV002683210.1), dbSNP rs2525078899, ClinGen allele CA343035028.
Genomic context (GRCh38, chr1:158,648,559, plus strand): 5'-CTTGTCTCACCTTATCTCCCAGGGGTACGAGGTCCCTTTCAAAGCCCTCATGCCGTCGCT[G>A]AAGAGCCTGAACACTGAACAGATCTGAGCCAGGGTCTGCAGCACTGAGGGCCTGGCATTT-3'